The following is an entry in ClinVar:

NM_004168.4(SDHA):c.1782G>C (p.Arg594Ser)

Gene: SDHA (succinate dehydrogenase complex flavoprotein subunit A; plus strand). Cytogenetic location: 5p15.33.
Variant type: single nucleotide variant.
Coding change: c.1782G>C on transcript NM_004168.4 (MANE Select); coding-DNA position 1782, G replaced by C.
Protein change: p.Arg594Ser; replaces arginine 594 with serine.
Molecular consequence: missense variant. On other transcripts: intron variant (1).
Genome position (GRCh38, 1-based): chr5:251,456, G>C. VCF-style: chr5-251456-G-C. GRCh37 (hg19) VCF-style: chr5-251571-G-C.
Other names: c.1782G>C (NM_004168.2); c.1638G>C, p.Arg546Ser (NM_001294332.2); c.1552-2937G>C (NM_001330758.2); short protein forms R546S, R594S.
Identifiers: ClinVar variation 2633793 (VCV002633793.5), dbSNP rs751329013, ClinGen allele CA359000424.

ClinVar aggregate classification (germline): Uncertain significance. Review status: criteria provided, multiple submitters, no conflicts (2 of 4 stars). 3 submissions from 3 submitters: Uncertain significance (3). Last evaluated 2026-03-02.

Conditions:
SDHA-related disorder. Also called: SDHA-related disorders; SDHA-related condition.
Mitochondrial complex II deficiency, nuclear type 1. Also called: SUCCINATE CoQ REDUCTASE DEFICIENCY. Identifiers: Orphanet 3208, MedGen C5700310, MONDO:0100294, OMIM 252011.
Pheochromocytoma/paraganglioma syndrome 5. Also called: Paragangliomas 5; SDHA-Related Hereditary Paraganglioma-Pheochromocytoma Syndrome. Identifiers: Orphanet 29072, MedGen C3279992, MONDO:0013602, OMIM 614165.
Hereditary cancer-predisposing syndrome. Also called: Neoplastic Syndromes, Hereditary; Tumor predisposition; Hereditary Cancer Syndrome; Hereditary neoplastic syndrome. Identifiers: Orphanet 140162, MedGen C0027672, MeSH D009386, MONDO:0015356.

Submissions (3):

Ambry Genetics
Classification: Uncertain significance for Hereditary cancer-predisposing syndrome. Last evaluated: 2026-03-02. Review status: criteria provided, single submitter. Criteria: Ambry Variant Classification Scheme 2023. Collection method: clinical testing. Allele origin: germline.

Labcorp Genetics (formerly Invitae), Labcorp
Classification: Uncertain significance for Pheochromocytoma/paraganglioma syndrome 5; Mitochondrial complex II deficiency, nuclear type 1. Last evaluated: 2023-08-03. Review status: criteria provided, single submitter. Criteria: Invitae Variant Classification Sherloc (09022015). Collection method: clinical testing. Allele origin: germline.
Comment: This sequence change replaces arginine, which is basic and polar, with serine, which is neutral and polar, at codon 594 of the SDHA protein (p.Arg594Ser). This variant is not present in population databases (gnomAD no frequency). This variant has not been reported in the literature in individuals affected with SDHA-related conditions. Advanced modeling of protein sequence and biophysical properties (such as structural, functional, and spatial information, amino acid conservation, physicochemical variation, residue mobility, and thermodynamic stability) has been performed at Invitae for this missense variant, however the output from this modeling did not meet the statistical confidence thresholds required to predict the impact of this variant on SDHA protein function. In summary, the available evidence is currently insufficient to determine the role of this variant in disease. Therefore, it has been classified as a Variant of Uncertain Significance.

PreventionGenetics, part of Exact Sciences
Classification: Uncertain significance for SDHA-related condition. Last evaluated: 2023-03-19. Review status: criteria provided, single submitter. Criteria: ACMG Guidelines, 2015. Collection method: clinical testing. Allele origin: germline.
Comment: The SDHA c.1782G>C variant is predicted to result in the amino acid substitution p.Arg594Ser. To our knowledge, this variant has not been reported in the literature or in a large population database, indicating this variant is rare. At this time, the clinical significance of this variant is uncertain due to the absence of conclusive functional and genetic evidence.